The following is an entry in ClinVar:

ClinVar aggregate classification (germline): Pathogenic/Likely pathogenic. Review status: criteria provided, multiple submitters, no conflicts (2 of 4 stars). 8 submissions from 8 submitters: Pathogenic (4); Likely pathogenic (2). 2 of the submissions do not count toward it. Last evaluated 2026-05-27.

Conditions:
STAR-related disorder. Also called: STAR-related condition.
Congenital lipoid adrenal hyperplasia due to STAR deficency. Also called: Congenital Lipoid Adrenal Hyperplasia; Lipoid adrenal hyperplasia; Cholesterol monooxygenase (side-chain cleaving) deficiency; ADRENAL HYPERPLASIA I. Identifiers: Orphanet 418, Orphanet 90790, MedGen C0342474, MONDO:0008725, OMIM 201710.
Syndactyly-telecanthus-anogenital and renal malformations syndrome (STAR). Also called: SYNDACTYLY WITH RENAL AND ANOGENITAL MALFORMATIONS. Identifiers: Orphanet 140952, MedGen C2678045, MONDO:0010408, OMIM 300707.

Allele frequency attached by ClinVar (database versions not stated): gnomAD 0.00001; gnomAD exomes 0.00001; TOPMed 0.00001.

Submissions (8):

PreventionGenetics, part of Exact Sciences
Classification: Pathogenic for STAR-related condition. Last evaluated: 2026-05-27. Review status: criteria provided, single submitter. Criteria: ACMG Guidelines, 2015. Collection method: clinical testing. Allele origin: germline.
Comment: The STAR c.559G>A variant is predicted to result in the amino acid substitution p.Val187Met. This variant was reported in the homozygous state in an individual with nonclassical lipoid congenital adrenal hyperplasia (LCAH) and functional studies showed that this variant retained ~20% of wild-type activity (Baker et al. 2006. PubMed ID: 16968793). And later this variant was reported in the compound heterozygous state with different causative variants in individuals with nonclassical LCAH (see for example, Chen et al. 2020. PubMed ID: 32068072; Zhang et al. 2020. PubMed ID: 33227378). However, this variant was also reported with a pathogenic nonsense variant in an individual with classic LCAH (Ishii et al. 2020. PubMed ID: 32835366). This variant is reported in 0.0023% of alleles in individuals of European (Non-Finnish) descent in gnomAD. This variant is interpreted as pathogenic.

Natera, Inc.
Classification: Pathogenic for Congenital lipoid adrenal hyperplasia. Last evaluated: 2025-03-31. Review status: criteria provided, single submitter. Criteria: Natera Variant Classification Schema (03/2026). Collection method: clinical testing. Allele origin: germline.
Comment: The c.559G>A variant in STAR is a missense variant predicted to cause substitution of valine to methionine at amino acid 187. This variant is rare in the general population with a frequency below the threshold expected for the associated phenotype(s). This variant has been observed in one or more individuals affected with the associated recessive disease, as either homozygous or compound heterozygous with a second variant (PMID: 16968793, 29095814, 32068072). Functional studies show that this variant may disrupt protein function (PMID: 16968793). Computational prediction algorithms indicate this variant is likely to affect gene or protein function. Given the available evidence, this variant is classified as Pathogenic.

Laboratory of Medical Genetics, National & Kapodistrian University of Athens
Classification: Pathogenic for Syndactyly-telecanthus-anogenital and renal malformations syndrome. Last evaluated: 2024-02-01. Review status: criteria provided, single submitter. Criteria: ACMG Guidelines, 2015. Collection method: curation. Allele origin: germline. Affected: no.

Labcorp Genetics (formerly Invitae), Labcorp
Classification: Pathogenic. Last evaluated: 2023-10-25. Review status: criteria provided, single submitter. Criteria: Invitae Variant Classification Sherloc (09022015). Collection method: clinical testing. Allele origin: germline.
Comment: This sequence change replaces valine, which is neutral and non-polar, with methionine, which is neutral and non-polar, at codon 187 of the STAR protein (p.Val187Met). This variant is present in population databases (rs104894089, gnomAD 0.002%). This missense change has been observed in individuals with lipoid adrenal hyperplasia (PMID: 16968793, 21647419, 28467518). ClinVar contains an entry for this variant (Variation ID: 8996). Advanced modeling of protein sequence and biophysical properties (such as structural, functional, and spatial information, amino acid conservation, physicochemical variation, residue mobility, and thermodynamic stability) has been performed at Invitae for this missense variant, however the output from this modeling did not meet the statistical confidence thresholds required to predict the impact of this variant on STAR protein function. Experimental studies have shown that this missense change affects STAR function (PMID: 16968793). For these reasons, this variant has been classified as Pathogenic.

Fulgent Genetics
Classification: Likely pathogenic for Congenital lipoid adrenal hyperplasia due to STAR deficency. Last evaluated: 2021-08-18. Review status: criteria provided, single submitter. Criteria: ACMG Guidelines, 2015. Collection method: clinical testing. Allele origin: unknown.

Juno Genomics, Hangzhou Juno Genomics, Inc
Classification: Likely pathogenic for Congenital lipoid adrenal hyperplasia due to STAR deficency. Review status: criteria provided, single submitter. Criteria: ACMG Guidelines, 2015. Collection method: clinical testing. Allele origin: germline.
Comment: Absent from controls (or at extremely low frequency if recessive) in Genome Aggregation Database.;Well-established in vitro or in vivo functional studies supportive of a damaging effect on the gene or gene product.;For recessive disorders, detected in trans with a pathogenic variant.;Patient's phenotype or family history is highly specific for a disease with a single genetic etiology.

Counsyl
Classification: Likely pathogenic for Congenital lipoid adrenal hyperplasia due to STAR deficency. Last evaluated: 2017-08-02. Review status: no assertion criteria provided. Collection method: clinical testing. Allele origin: unknown. Not counted in ClinVar's aggregate classification.

OMIM
Classification: Pathogenic for LIPOID CONGENITAL ADRENAL HYPERPLASIA. Last evaluated: 2006-12-01. Review status: no assertion criteria provided. Collection method: literature only. Allele origin: germline. Not counted in ClinVar's aggregate classification.

Literature cited by the submitters: PubMed 16968793 (cited by 4 submitters); PubMed 29095814 (cited by Natera, Inc.); PubMed 32068072 (cited by Natera, Inc.); PubMed 21647419 (cited by Labcorp Genetics (formerly Invitae), Labcorp and Counsyl); PubMed 28467518 (cited by Labcorp Genetics (formerly Invitae), Labcorp and Counsyl).

NM_000349.3(STAR):c.559G>A (p.Val187Met)

Gene: STAR (steroidogenic acute regulatory protein; minus strand). Cytogenetic location: 8p11.23.
Variant type: single nucleotide variant.
Coding change: c.559G>A on transcript NM_000349.3 (MANE Select); coding-DNA position 559, G replaced by A.
Protein change: p.Val187Met; replaces valine 187 with methionine.
Molecular consequence: missense variant.
Genome position (GRCh38, 1-based): chr8:38,146,054, C>T on the plus strand (G>A on the coding strand, the complement: STAR is on the minus strand). VCF-style: chr8-38146054-C-T. GRCh37 (hg19) VCF-style: chr8-38003572-C-T.
Other names: short protein forms V187M.
Identifiers: ClinVar variation 8996 (VCV000008996.12), dbSNP rs104894089, ClinGen allele CA120043.